The following is an entry in ClinVar:

NM_201384.3(PLEC):c.124C>T (p.Arg42Cys)

Gene: PLEC (plectin; minus strand). Cytogenetic location: 8q24.3.
Variant type: single nucleotide variant.
Coding change: c.124C>T on transcript NM_201384.3 (MANE Select); coding-DNA position 124, C replaced by T.
Protein change: p.Arg42Cys; replaces arginine 42 with cysteine.
Molecular consequence: missense variant.
Genome position (GRCh38, 1-based): chr8:143,938,681, G>A on the plus strand (C>T on the coding strand, the complement: PLEC is on the minus strand). VCF-style: chr8-143938681-G-A. GRCh37 (hg19) VCF-style: chr8-145012849-G-A.
Other names: c.205C>T, p.Arg69Cys (NM_000445.5, NM_001410941.1); c.82C>T, p.Arg28Cys (NM_201378.4); c.58C>T, p.Arg20Cys (NM_201379.3); c.535C>T, p.Arg179Cys (NM_201380.4); c.28C>T, p.Arg10Cys (NM_201381.3); c.124C>T, p.Arg42Cys (NM_201382.4); c.136C>T, p.Arg46Cys (NM_201383.3); short protein forms R20C, R42C, R10C, R179C, R46C, R69C, R28C.
Identifiers: ClinVar variation 2181298 (VCV002181298.4), dbSNP rs1554725913, ClinGen allele CA372593160.

ClinVar aggregate classification (germline): Uncertain significance (1 of 4 stars; one submission).

Conditions:
Epidermolysis bullosa simplex 5B, with muscular dystrophy (EBS5B). Also called: EPIDERMOLYSIS BULLOSA SIMPLEX AND LIMB-GIRDLE MUSCULAR DYSTROPHY; Epidermolysis bullosa simplex with muscular dystrophy. Identifiers: Orphanet 257, MedGen C2931072, MONDO:0009181, OMIM 226670.
Autosomal recessive limb-girdle muscular dystrophy type 2Q (LGMDR17). Also called: MUSCULAR DYSTROPHY, LIMB-GIRDLE, AUTOSOMAL RECESSIVE 17. Identifiers: Orphanet 254361, MedGen C3150989, MONDO:0013390, OMIM 613723.
Epidermolysis bullosa simplex, Ogna type (EBS5A). Also called: Pidermolysis bullosa simplex 5A, Ogna type; EPIDERMOLYSIS BULLOSA SIMPLEX 5A, OGNA TYPE. Identifiers: Orphanet 79401, MedGen C0432317, MONDO:0007555, OMIM 131950.
Epidermolysis bullosa simplex 5C, with pyloric atresia (EBS5C). Also called: PLEC-Related Epidermolysis Bullosa with Pyloric Atresia; Epidermolysis bullosa simplex with pyloric atresia; PLEC1-Related Epidermolysis Bullosa with Pyloric Atresia. Identifiers: Orphanet 158684, MedGen C2677349, MONDO:0012807, OMIM 612138.
Epidermolysis bullosa simplex with nail dystrophy (EBS5D). Identifiers: MedGen C4225309, MONDO:0014661, OMIM 616487.

Allele frequency attached by ClinVar (database versions not stated): TOPMed below 0.00001; gnomAD 0.00001.

Submission:

Labcorp Genetics (formerly Invitae), Labcorp
Classification: Uncertain significance for Autosomal recessive limb-girdle muscular dystrophy type 2Q; Epidermolysis bullosa simplex, Ogna type; Epidermolysis bullosa simplex with nail dystrophy; Epidermolysis bullosa simplex 5C, with pyloric atresia; Epidermolysis bullosa simplex 5B, with muscular dystrophy. Last evaluated: 2022-11-01. Review status: criteria provided, single submitter. Criteria: Invitae Variant Classification Sherloc (09022015). Collection method: clinical testing. Allele origin: germline.
Comment: This variant has not been reported in the literature in individuals affected with PLEC-related conditions. This variant is not present in population databases (gnomAD no frequency). This sequence change replaces arginine, which is basic and polar, with cysteine, which is neutral and slightly polar, at codon 69 of the PLEC protein (p.Arg69Cys). Algorithms developed to predict the effect of missense changes on protein structure and function are either unavailable or do not agree on the potential impact of this missense change (SIFT: "Deleterious"; PolyPhen-2: "Not Available"; Align-GVGD: "Class C0"). In summary, the available evidence is currently insufficient to determine the role of this variant in disease. Therefore, it has been classified as a Variant of Uncertain Significance.